The following is an entry in ClinVar:

NM_001999.4(FBN2):c.3559C>G (p.Leu1187Val)

Gene: FBN2 (fibrillin 2; minus strand). Cytogenetic location: 5q23.3.
Variant type: single nucleotide variant.
Coding change: c.3559C>G on transcript NM_001999.4 (MANE Select); coding-DNA position 3559, C replaced by G.
Protein change: p.Leu1187Val; replaces leucine 1187 with valine.
Molecular consequence: missense variant.
Genome position (GRCh38, 1-based): chr5:128,338,036, G>C on the plus strand (C>G on the coding strand, the complement: FBN2 is on the minus strand). VCF-style: chr5-128338036-G-C. GRCh37 (hg19) VCF-style: chr5-127673728-G-C.
Other names: short protein forms L1187V.
Identifiers: ClinVar variation 4997337 (VCV004997337.1).

ClinVar aggregate classification (germline): Uncertain significance (1 of 4 stars; one submission).

Conditions:
FBN2-related disorder. Also called: FBN2-related condition.

Submission:

PreventionGenetics, part of Exact Sciences
Classification: Uncertain significance for FBN2-related condition. Last evaluated: 2025-07-05. Review status: criteria provided, single submitter. Criteria: ACMG Guidelines, 2015. Collection method: clinical testing. Allele origin: germline.
Comment: The FBN2 c.3559C>G variant is predicted to result in the amino acid substitution p.Leu1187Val. To our knowledge, this variant has not been reported in the literature or in a large population database (gnomAD), indicating this variant is rare. At this time, the clinical significance of this variant is uncertain due to the absence of conclusive functional and genetic evidence.